The following is an entry in ClinVar:

NM_018136.5(ASPM):c.946C>A (p.Leu316Ile)

Gene: ASPM (assembly factor for spindle microtubules; minus strand). Cytogenetic location: 1q31.3.
Variant type: single nucleotide variant.
Coding change: c.946C>A on transcript NM_018136.5 (MANE Select); coding-DNA position 946, C replaced by A.
Protein change: p.Leu316Ile; replaces leucine 316 with isoleucine.
Molecular consequence: missense variant.
Genome position (GRCh38, 1-based): chr1:197,143,306, G>T on the plus strand (C>A on the coding strand, the complement: ASPM is on the minus strand). VCF-style: chr1-197143306-G-T. GRCh37 (hg19) VCF-style: chr1-197112436-G-T.
Other names: c.946C>A, p.Leu316Ile (NM_001206846.2); short protein forms L316I.
Identifiers: ClinVar variation 4700310 (VCV004700310.1).

ClinVar aggregate classification (germline): Uncertain significance (1 of 4 stars; one submission).

gnomAD v4.1: 7 of 1,613,850 alleles (0.00043%); highest among the groups gnomAD compares: Admixed American, 0.012%; no homozygotes.

Submission:

Labcorp Genetics (formerly Invitae), Labcorp
Classification: Uncertain significance. Last evaluated: 2025-03-05. Review status: criteria provided, single submitter. Criteria: Invitae Variant Classification Sherloc (09022015). Collection method: clinical testing. Allele origin: germline.
Comment: This sequence change replaces leucine, which is neutral and non-polar, with isoleucine, which is neutral and non-polar, at codon 316 of the ASPM protein (p.Leu316Ile). This variant is present in population databases (rs748469845, gnomAD 0.02%). This variant has not been reported in the literature in individuals affected with ASPM-related conditions. Invitae Evidence Modeling of protein sequence and biophysical properties (such as structural, functional, and spatial information, amino acid conservation, physicochemical variation, residue mobility, and thermodynamic stability) indicates that this missense variant is not expected to disrupt ASPM protein function with a negative predictive value of 80%. In summary, the available evidence is currently insufficient to determine the role of this variant in disease. Therefore, it has been classified as a Variant of Uncertain Significance.